The following is an entry in ClinVar:

NM_007194.4(CHEK2):c.1339T>C (p.Phe447Leu)

Gene: CHEK2 (checkpoint kinase 2; minus strand). Cytogenetic location: 22q12.1.
Variant type: single nucleotide variant.
Coding change: c.1339T>C on transcript NM_007194.4 (MANE Select); coding-DNA position 1339, T replaced by C.
Protein change: p.Phe447Leu; replaces phenylalanine 447 with leucine.
Molecular consequence: missense variant.
Genome position (GRCh38, 1-based): chr22:28,695,163, A>G on the plus strand (T>C on the coding strand, the complement: CHEK2 is on the minus strand). VCF-style: chr22-28695163-A-G. GRCh37 (hg19) VCF-style: chr22-29091151-A-G.
Other names: c.1468T>C, p.Phe490Leu (NM_001005735.3); c.676T>C, p.Phe226Leu (NM_001257387.3); c.1138T>C, p.Phe380Leu (NM_001349956.3); c.1252T>C, p.Phe418Leu (NM_145862.3); short protein forms F226L, F490L, F380L, F418L, F447L.
Identifiers: ClinVar variation 1401904 (VCV001401904.11), dbSNP rs17881473, ClinGen allele CA411095701.

ClinVar aggregate classification (germline): Uncertain significance. Review status: criteria provided, multiple submitters, no conflicts (2 of 4 stars). 3 submissions from 3 submitters: Uncertain significance (3). Last evaluated 2025-10-21.

Conditions:
Familial cancer of breast. Also called: hereditary breast carcinoma; Hereditary breast cancer; BREAST CANCER, FAMILIAL. Identifiers: Orphanet 227535, MedGen C0346153, MONDO:0016419, OMIM 114480. Disease mechanism: loss of function.
Hereditary cancer-predisposing syndrome. Also called: Hereditary Cancer Syndrome; Hereditary neoplastic syndrome; Tumor predisposition; Neoplastic Syndromes, Hereditary. Identifiers: Orphanet 140162, MedGen C0027672, MeSH D009386, MONDO:0015356.

Submissions (3):

Labcorp Genetics (formerly Invitae), Labcorp
Classification: Uncertain significance for Familial cancer of breast. Last evaluated: 2025-10-21. Review status: criteria provided, single submitter. Criteria: Invitae Variant Classification Sherloc (09022015). Collection method: clinical testing. Allele origin: germline.
Comment: This sequence change replaces phenylalanine, which is neutral and non-polar, with leucine, which is neutral and non-polar, at codon 447 of the CHEK2 protein (p.Phe447Leu). This variant is not present in population databases (gnomAD no frequency). This variant has not been reported in the literature in individuals affected with CHEK2-related conditions. ClinVar contains an entry for this variant (Variation ID: 1401904). An algorithm developed to predict the effect of missense changes on protein structure and function outputs the following: PolyPhen-2: "Benign". The leucine amino acid residue is found in multiple mammalian species, which suggests that this missense change does not adversely affect protein function. In summary, the available evidence is currently insufficient to determine the role of this variant in disease. Therefore, it has been classified as a Variant of Uncertain Significance.

Baylor Genetics
Classification: Uncertain significance for Familial cancer of breast. Last evaluated: 2023-07-25. Review status: criteria provided, single submitter. Criteria: ACMG Guidelines, 2015. Collection method: clinical testing. Allele origin: unknown.

Ambry Genetics
Classification: Uncertain significance for Hereditary cancer-predisposing syndrome. Last evaluated: 2022-10-20. Review status: criteria provided, single submitter. Criteria: Ambry Variant Classification Scheme 2023. Collection method: clinical testing. Allele origin: germline.
Comment: The p.F447L variant (also known as c.1339T>C), located in coding exon 11 of the CHEK2 gene, results from a T to C substitution at nucleotide position 1339. The phenylalanine at codon 447 is replaced by leucine, an amino acid with highly similar properties. This alteration has been reported with a carrier frequency of 0.00013 in 7636 unselected prostate cancer patients and 0 in 12366 male controls of Japanese ancestry (Momozawa Y et al. J Natl Cancer Inst, 2020 04;112:369-376). This amino acid position is well conserved in available vertebrate species. In addition, this alteration is predicted to be tolerated by in silico analysis. Since supporting evidence is limited at this time, the clinical significance of this alteration remains unclear.

Literature cited by the submitters: PubMed 31214711 (cited by Ambry Genetics).